The following is an entry in ClinVar:

NM_001286611.2(REPS1):c.446T>G (p.Val149Gly)

Gene: REPS1 (RALBP1 associated Eps domain containing 1; minus strand). Cytogenetic location: 6q24.1.
Variant type: single nucleotide variant.
Coding change: c.446T>G on transcript NM_001286611.2 (MANE Select); coding-DNA position 446, T replaced by G.
Protein change: p.Val149Gly; replaces valine 149 with glycine.
Molecular consequence: missense variant.
Genome position (GRCh38, 1-based): chr6:138,945,529, A>C on the plus strand (T>G on the coding strand, the complement: REPS1 is on the minus strand). VCF-style: chr6-138945529-A-C. GRCh37 (hg19) VCF-style: chr6-139266666-A-C.
Other names: c.446T>G, p.Val149Gly (NM_001128617.3, NM_001286612.2, NM_031922.5); short protein forms V149G.
Identifiers: ClinVar variation 4741507 (VCV004741507.1).

ClinVar aggregate classification (germline): Uncertain significance (1 of 4 stars; one submission).

Submission:

Labcorp Genetics (formerly Invitae), Labcorp
Classification: Uncertain significance. Last evaluated: 2025-04-11. Review status: criteria provided, single submitter. Criteria: Invitae Variant Classification Sherloc (09022015). Collection method: clinical testing. Allele origin: germline.
Comment: This sequence change replaces valine, which is neutral and non-polar, with glycine, which is neutral and non-polar, at codon 149 of the REPS1 protein (p.Val149Gly). This variant is not present in population databases (gnomAD no frequency). This variant has not been reported in the literature in individuals affected with REPS1-related conditions. Invitae Evidence Modeling of protein sequence and biophysical properties (such as structural, functional, and spatial information, amino acid conservation, physicochemical variation, residue mobility, and thermodynamic stability) indicates that this missense variant is not expected to disrupt REPS1 protein function with a negative predictive value of 80%. In summary, the available evidence is currently insufficient to determine the role of this variant in disease. Therefore, it has been classified as a Variant of Uncertain Significance.